The following is an entry in ClinVar:

ClinVar aggregate classification (germline): Uncertain significance. Review status: criteria provided, multiple submitters, no conflicts (2 of 4 stars). 2 submissions from 2 submitters: Uncertain significance (2). Last evaluated 2025-09-10.

Conditions:
Progressive myoclonic epilepsy type 9. Identifiers: Orphanet 457265, MedGen C4225289, MONDO:0014685, OMIM 616540.
Lipodystrophy, partial, acquired, susceptibility to (APLD). Also called: APLD, SUSCEPTIBILITY TO. Identifiers: MedGen C3887501, MONDO:0100476, OMIM 608709.

Allele frequency attached by ClinVar (database versions not stated): gnomAD exomes 0.00001; gnomAD 0.00003 and 0.00002; ESP Exome Variant Server 0.00008; ExAC 0.00002; TOPMed 0.00002.
gnomAD v4.1: 13 of 1,608,944 alleles (0.00081%); highest among the groups gnomAD compares: Non-Finnish European, 0.0011%; no homozygotes.

Submissions (2):

Ambry Genetics
Classification: Uncertain significance. Last evaluated: 2025-09-10. Review status: criteria provided, single submitter. Criteria: Ambry Variant Classification Scheme 2023. Collection method: clinical testing. Allele origin: germline.

Labcorp Genetics (formerly Invitae), Labcorp
Classification: Uncertain significance for Progressive myoclonic epilepsy type 9; Lipodystrophy, partial, acquired, susceptibility to. Last evaluated: 2022-07-26. Review status: criteria provided, single submitter. Criteria: Invitae Variant Classification Sherloc (09022015). Collection method: clinical testing. Allele origin: germline.
Comment: ClinVar contains an entry for this variant (Variation ID: 1011823). This variant has not been reported in the literature in individuals affected with LMNB2-related conditions. This variant is present in population databases (rs370270636, gnomAD 0.003%). This sequence change replaces glutamic acid, which is acidic and polar, with lysine, which is basic and polar, at codon 141 of the LMNB2 protein (p.Glu141Lys). Algorithms developed to predict the effect of missense changes on protein structure and function are either unavailable or do not agree on the potential impact of this missense change (SIFT: "Deleterious"; PolyPhen-2: "Possibly Damaging"; Align-GVGD: "Class C15"). In summary, the available evidence is currently insufficient to determine the role of this variant in disease. Therefore, it has been classified as a Variant of Uncertain Significance.

NM_032737.4(LMNB2):c.421G>A (p.Glu141Lys)

Gene: LMNB2 (lamin B2; minus strand). Cytogenetic location: 19p13.3.
Variant type: single nucleotide variant.
Coding change: c.421G>A on transcript NM_032737.4 (MANE Select); coding-DNA position 421, G replaced by A.
Protein change: p.Glu141Lys; replaces glutamic acid 141 with lysine.
Molecular consequence: missense variant.
Genome position (GRCh38, 1-based): chr19:2,438,512, C>T on the plus strand (G>A on the coding strand, the complement: LMNB2 is on the minus strand). VCF-style: chr19-2438512-C-T. GRCh37 (hg19) VCF-style: chr19-2438510-C-T.
Other names: c.361G>A (NM_032737.2); short protein forms E141K.
Identifiers: ClinVar variation 1011823 (VCV001011823.9), dbSNP rs370270636, ClinGen allele CA9067892.